The following is an entry in ClinVar:

ClinVar aggregate classification (germline): Benign/Likely benign. Review status: criteria provided, multiple submitters, no conflicts (2 of 4 stars). 3 submissions from 3 submitters: Benign (2); Likely benign (1). Last evaluated 2022-11-01.

Allele frequency attached by ClinVar (database versions not stated): gnomAD 0.00088 and 0.00116; TOPMed 0.00096; 1000 Genomes Project 0.00100; 1000 Genomes Project 30x 0.00109; ESP Exome Variant Server 0.00123; gnomAD exomes 0.00155 and 0.00185; ExAC 0.00189.
gnomAD v4.1: 2,480 of 1,613,526 alleles (0.15%); highest among the groups gnomAD compares: Middle Eastern, 0.69%; 13 homozygotes.

Submissions (3):

CeGaT Center for Human Genetics Tuebingen
Classification: Likely benign. Last evaluated: 2022-11-01. Review status: criteria provided, single submitter. Criteria: CeGaT Center For Human Genetics Tuebingen Variant Classification Criteria Version 2. Collection method: clinical testing. Allele origin: germline. Affected: yes. Observed: 1 variant allele.
Comment: GTSE1: BP4, BP7, BS2

Labcorp Genetics (formerly Invitae), Labcorp
Classification: Benign. Last evaluated: 2018-08-11. Review status: criteria provided, single submitter. Criteria: Invitae Variant Classification Sherloc (09022015). Collection method: clinical testing. Allele origin: germline.

Breakthrough Genomics
Classification: Benign. Review status: criteria provided, single submitter. Criteria: ACMG Guidelines, 2015. Collection method: not provided. Allele origin: germline. Inheritance: Unknown mechanism. Affected: yes.

NM_016426.7(GTSE1):c.549C>G (p.Leu183=)

Gene: GTSE1 (G2 and S-phase expressed 1; plus strand). Cytogenetic location: 22q13.31.
Variant type: single nucleotide variant.
Coding change: c.549C>G on transcript NM_016426.7 (MANE Select); coding-DNA position 549, C replaced by G.
Protein change: p.Leu183=; no amino-acid change (leucine 183 retained).
Molecular consequence: synonymous variant.
Genome position (GRCh38, 1-based): chr22:46,308,730, C>G. VCF-style: chr22-46308730-C-G. GRCh37 (hg19) VCF-style: chr22-46704627-C-G.
Identifiers: ClinVar variation 707839 (VCV000707839.28), dbSNP rs149905369, ClinGen allele CA10291330.